The following is an entry in ClinVar:

NM_020832.3(ZNF687):c.2761_2762inv (p.Glu921Ser)

Gene: ZNF687 (zinc finger protein 687; plus strand). Cytogenetic location: 1q21.3.
Variant type: Inversion.
Coding change: c.2761_2762inv on transcript NM_020832.3 (MANE Select).
Protein change: p.Glu921Ser; replaces glutamic acid 921 with serine.
Molecular consequence: missense variant.
Genome position: GRCh38 VCF-style: chr1-151289804-GA-TC. GRCh37 (hg19) VCF-style: chr1-151262280-GA-TC.
Other names: c.2761_2762inv, p.Glu921Ser (NM_001304763.2, NM_001304764.2); short protein forms E921S.
Identifiers: ClinVar variation 2977713 (VCV002977713.3), ClinGen allele CA2740090358.

ClinVar aggregate classification (germline): Uncertain significance (1 of 4 stars; one submission).

Submission:

Labcorp Genetics (formerly Invitae), Labcorp
Classification: Uncertain significance. Last evaluated: 2023-05-29. Review status: criteria provided, single submitter. Criteria: Invitae Variant Classification Sherloc (09022015). Collection method: clinical testing. Allele origin: germline.
Comment: In summary, the available evidence is currently insufficient to determine the role of this variant in disease. Therefore, it has been classified as a Variant of Uncertain Significance. This variant is present in population databases (no rsID available, gnomAD 0.004%). This sequence change replaces glutamic acid, which is acidic and polar, with serine, which is neutral and polar, at codon 921 of the ZNF687 protein (p.Glu921Ser). This variant has not been reported in the literature in individuals affected with ZNF687-related conditions. An algorithm developed to predict the effect of missense changes on protein structure and function (PolyPhen-2) suggests that this variant is likely to be tolerated.